The following is an entry in ClinVar:

ClinVar aggregate classification (germline): Uncertain significance. Review status: criteria provided, multiple submitters, no conflicts (2 of 4 stars). 2 submissions from 2 submitters: Uncertain significance (2). Last evaluated 2026-02-15.

Conditions:
Lymphatic malformation 7 (LMPHM7). Also called: Hydrops fetalis, nonimmune, and/or atrial septal defect, susceptibility to. Identifiers: MedGen C4310629, MONDO:0015009, OMIM 617300.
Capillary malformation-arteriovenous malformation 2 (CMAVM2). Identifiers: Orphanet 693912, MedGen C4748670, MONDO:0020785, OMIM 618196.
Cardiovascular phenotype. Identifiers: MedGen CN230736.

Submissions (2):

Ambry Genetics
Classification: Uncertain significance for Cardiovascular phenotype. Last evaluated: 2026-02-15. Review status: criteria provided, single submitter. Criteria: Ambry Variant Classification Scheme 2023. Collection method: clinical testing. Allele origin: germline.
Comment: The p.M728V variant (also known as c.2182A>G), located in coding exon 13 of the EPHB4 gene, results from an A to G substitution at nucleotide position 2182. The methionine at codon 728 is replaced by valine, an amino acid with highly similar properties. This amino acid position is conserved. In addition, this alteration is predicted to be deleterious by in silico analysis. Based on the available evidence, the clinical significance of this variant remains unclear.

Clinical Genomics Laboratory, Washington University in St. Louis
Classification: Uncertain significance for Lymphatic malformation 7; Capillary malformation-arteriovenous malformation 2. Last evaluated: 2024-12-27. Review status: criteria provided, single submitter. Criteria: ACMG Guidelines, 2015. Collection method: clinical testing. Allele origin: germline.
Comment: An EPHB4 c.2182A>G (p.Met728Val) variant was identified at a heterozygous allelic fraction of 50%, a frequency which may be consistent with germline origin. This variant, to our knowledge, has not been reported in the medical literature. It is absent from the general population (gnomAD v.4.1.0), indicating it is not a common variant. Computational predictors indicate that the variant is damaging, evidence that may correlate with impact to EPHB4 function. Due to limited information, and based on ACMG/AMP guidelines for variant interpretation (Richards S et al., PMID: 25741868), the clinical significance of this variant is uncertain at this time.

NM_004444.5(EPHB4):c.2182A>G (p.Met728Val)

Gene: EPHB4 (EPH receptor B4; minus strand). Cytogenetic location: 7q22.1.
Variant type: single nucleotide variant.
Coding change: c.2182A>G on transcript NM_004444.5 (MANE Select); coding-DNA position 2182, A replaced by G.
Protein change: p.Met728Val; replaces methionine 728 with valine.
Molecular consequence: missense variant.
Genome position (GRCh38, 1-based): chr7:100,807,517, T>C on the plus strand (A>G on the coding strand, the complement: EPHB4 is on the minus strand). VCF-style: chr7-100807517-T-C. GRCh37 (hg19) VCF-style: chr7-100405139-T-C.
Other names: c.2182A>G (NM_004444.4); short protein forms M728V.
Identifiers: ClinVar variation 3600441 (VCV003600441.2).